The following is an entry in ClinVar:

ClinVar aggregate classification (germline): Pathogenic (1 of 4 stars; one submission).

Conditions:
USH2A-related disorder. Also called: USH2A-related condition; USH2A-related disorders. Identifiers: MedGen CN239332.

Submission:

Myriad Genetics, Inc.
Classification: Pathogenic for USH2A-related disorder. Last evaluated: 2024-06-08. Review status: criteria provided, single submitter. Criteria: Myriad Autosomal Dominant, Autosomal Recessive and X-Linked Classification Criteria (2023). Collection method: clinical testing. Allele origin: unknown.
Comment: NM_206933.2(USH2A):c.1696dupC(Q566Pfs*8) is expected to be pathogenic in the context of USH2A-related disorders. This variant is predicted to lead to an abnormal or absent protein product due to the creation of a premature termination codon in USH2A, a gene where loss-of-function variants are known to be pathogenic. Please note: this variant was assessed in the context of healthy population screening.

NM_206933.4(USH2A):c.1696dup (p.Gln566fs)

Gene: USH2A (usherin; minus strand). Cytogenetic location: 1q41.
Variant type: Duplication.
Coding change: c.1696dup on transcript NM_206933.4 (MANE Select); coding-DNA position 1696, one base duplicated (C; older notation c.1696dupC).
Protein change: p.Gln566fs; shifts the reading frame from glutamine 566.
Molecular consequence: frameshift variant.
Genome position (GRCh38, 1-based): chr1:216,292,319, G duplicated on the plus strand (C on the coding strand, the reverse complement: USH2A is on the minus strand). VCF-style (leftmost placement, unchanged base first): chr1-216292318-T-TG. GRCh37 (hg19) VCF-style: chr1-216465660-T-TG.
Other names: c.1696dup, p.Gln566fs (NM_007123.6); short protein forms Q566fs.
Identifiers: ClinVar variation 5013157 (VCV005013157.1).